The following is an entry in ClinVar:

NM_005120.3(MED12):c.748G>T (p.Asp250Tyr)

Gene: MED12 (mediator complex subunit 12; plus strand). Cytogenetic location: Xq13.1.
Variant type: single nucleotide variant.
Coding change: c.748G>T on transcript NM_005120.3 (MANE Select); coding-DNA position 748, G replaced by T.
Protein change: p.Asp250Tyr; replaces aspartic acid 250 with tyrosine.
Molecular consequence: missense variant.
Genome position (GRCh38, 1-based): chrX:71,121,339, G>T. VCF-style: chrX-71121339-G-T. GRCh37 (hg19) VCF-style: chrX-70341189-G-T.
Other names: short protein forms D250Y.
Identifiers: ClinVar variation 3781210 (VCV003781210.1).

ClinVar aggregate classification (germline): Uncertain significance (1 of 4 stars; one submission).

Submission:

GeneDx
Classification: Uncertain significance. Last evaluated: 2024-10-18. Review status: criteria provided, single submitter. Criteria: GeneDx Variant Classification Process June 2021. Collection method: clinical testing. Allele origin: germline. Affected: yes.
Comment: Not observed at significant frequency in large population cohorts (gnomAD); In silico analysis supports that this missense variant has a deleterious effect on protein structure/function; Has not been previously published as pathogenic or benign to our knowledge